The following is an entry in ClinVar:

NM_003114.5(SPAG1):c.2726A>C (p.Asn909Thr)

Gene: SPAG1 (sperm associated antigen 1; plus strand). Cytogenetic location: 8q22.2.
Variant type: single nucleotide variant.
Coding change: c.2726A>C on transcript NM_003114.5 (MANE Select); coding-DNA position 2726, A replaced by C.
Protein change: p.Asn909Thr; replaces asparagine 909 with threonine.
Molecular consequence: missense variant.
Genome position (GRCh38, 1-based): chr8:100,240,967, A>C. VCF-style: chr8-100240967-A-C. GRCh37 (hg19) VCF-style: chr8-101253195-A-C.
Other names: c.2726A>C, p.Asn909Thr (NM_001374321.1, NM_172218.3); short protein forms N909T.
Identifiers: ClinVar variation 4864972 (VCV004864972.1).

ClinVar aggregate classification (germline): Uncertain significance (1 of 4 stars; one submission).

Conditions:
Primary ciliary dyskinesia. Also called: Ciliary dyskinesia. Identifiers: Orphanet 244, MedGen C0008780, MONDO:0016575, HP:0012265.

Submission:

Ambry Genetics
Classification: Uncertain significance for Primary ciliary dyskinesia. Last evaluated: 2026-06-12. Review status: criteria provided, single submitter. Criteria: Ambry Variant Classification Scheme 2023. Collection method: clinical testing. Allele origin: germline.
Comment: The p.N909T variant (also known as c.2726A>C), located in coding exon 18 of the SPAG1 gene, results from an A to C substitution at nucleotide position 2726. The asparagine at codon 909 is replaced by threonine, an amino acid with similar properties. This amino acid position is conserved. In addition, this alteration is predicted to be tolerated by in silico analysis. Based on the available evidence, the clinical significance of this variant remains unclear.